The following is an entry in ClinVar:

NM_000059.4(BRCA2):c.6014A>C (p.Asp2005Ala)

Gene: BRCA2 (BRCA2 DNA repair associated; plus strand). Cytogenetic location: 13q13.1.
Variant type: single nucleotide variant.
Coding change: c.6014A>C on transcript NM_000059.4 (MANE Select); coding-DNA position 6014, A replaced by C.
Protein change: p.Asp2005Ala; replaces aspartic acid 2005 with alanine.
Molecular consequence: missense variant.
Genome position (GRCh38, 1-based): chr13:32,340,369, A>C. VCF-style: chr13-32340369-A-C. GRCh37 (hg19) VCF-style: chr13-32914506-A-C.
Other names: short protein forms D2005A.
Identifiers: ClinVar variation 944115 (VCV000944115.10), dbSNP rs876658259, ClinGen allele CA387787717.

ClinVar aggregate classification (germline): Conflicting classifications of pathogenicity. Review status: criteria provided, conflicting classifications (1 of 4 stars). 3 submissions from 3 submitters: Uncertain significance (2); Likely benign (1). Last evaluated 2025-09-12.

Conditions:
Hereditary cancer-predisposing syndrome. Also called: Neoplastic Syndromes, Hereditary; Hereditary Cancer Syndrome; Tumor predisposition; Hereditary neoplastic syndrome. Identifiers: Orphanet 140162, MedGen C0027672, MeSH D009386, MONDO:0015356.
Hereditary breast ovarian cancer syndrome. Also called: Hereditary breast and ovarian cancer syndrome (HBOC); Hereditary breast and ovarian cancer; Breast and ovarian cancer; BRCA1- and BRCA2-Associated Hereditary Breast and Ovarian Cancer; Hereditary breast and ovarian cancer syndrome; Hereditary breast and/or ovarian cancer syndrome. Identifiers: Orphanet 145, MedGen C0677776, MeSH D061325, MONDO:0003582. Disease mechanism: loss of function.

gnomAD v4.1: 1 of 1,613,978 alleles (0.000062%); no homozygotes.

Submissions (3):

Ambry Genetics
Classification: Uncertain significance for Hereditary cancer-predisposing syndrome. Last evaluated: 2025-09-12. Review status: criteria provided, single submitter. Criteria: Ambry Variant Classification Scheme 2023. Collection method: clinical testing. Allele origin: germline.
Comment: The p.D2005A variant (also known as c.6014A>C), located in coding exon 10 of the BRCA2 gene, results from an A to C substitution at nucleotide position 6014. The aspartic acid at codon 2005 is replaced by alanine, an amino acid with dissimilar properties. This amino acid position is conserved. In addition, the in silico prediction for this alteration is inconclusive. Based on the available evidence, the clinical significance of this variant remains unclear.

Labcorp Genetics (formerly Invitae), Labcorp
Classification: Uncertain significance for Hereditary breast ovarian cancer syndrome. Last evaluated: 2025-07-30. Review status: criteria provided, single submitter. Criteria: Invitae Variant Classification Sherloc (09022015). Collection method: clinical testing. Allele origin: germline.
Comment: This sequence change replaces aspartic acid, which is acidic and polar, with alanine, which is neutral and non-polar, at codon 2005 of the BRCA2 protein (p.Asp2005Ala). This variant is not present in population databases (gnomAD no frequency). This variant has not been reported in the literature in individuals affected with BRCA2-related conditions. ClinVar contains an entry for this variant (Variation ID: 944115). Invitae Evidence Modeling of protein sequence and biophysical properties (such as structural, functional, and spatial information, amino acid conservation, physicochemical variation, residue mobility, and thermodynamic stability) indicates that this missense variant is not expected to disrupt BRCA2 protein function with a negative predictive value of 95%. In summary, the available evidence is currently insufficient to determine the role of this variant in disease. Therefore, it has been classified as a Variant of Uncertain Significance.

University of Washington Department of Laboratory Medicine, University of Washington
Classification: Likely benign for Hereditary cancer-predisposing syndrome. Last evaluated: 2023-03-23. Review status: criteria provided, single submitter. Criteria: Dines et al. (Genet Med. 2020). Collection method: curation. Allele origin: germline.
Comment: Missense variant in a coldspot region where missense variants are very unlikely to be pathogenic (PMID:31911673).

BRCA2 exon 11 coldspot. Reclassification based on statistical prior probability.